The following is an entry in ClinVar:

NM_001849.4(COL6A2):c.1751_1770+24dup

Gene: COL6A2 (collagen type VI alpha 2 chain; plus strand). Cytogenetic location: 21q22.3.
Variant type: Duplication.
Coding change: c.1751_1770+24dup on transcript NM_001849.4 (MANE Select); coding-DNA position 1751 through 24 bases into the intron after coding-DNA position 1770, 44 bases duplicated.
Molecular consequence: splice donor variant.
Genome position (GRCh38, 1-based): chr21:46,124,901-46,124,944, 44 bases duplicated; duplicating any 44 consecutive bases within chr21:46,124,899-46,124,944 gives the same sequence; the c. name uses the placement nearest the transcript's 3' end. GRCh37 (hg19): chr21:47,544,815-47,544,858.
Other names: c.1751_1770+24dup (NM_058175.3, NM_058174.3).
Identifiers: ClinVar variation 1036320 (VCV001036320.9), dbSNP rs2078635959, ClinGen allele CA1022869245.
Genomic context (GRCh38, chr21:46,124,898, plus strand): 5'-CACCCAGCCTTGGCCCCAGAGTCTCAGCCTCATCCTTCCTTCCCCAGGGTGAGCCCGGCC[C>CCCCTGGAGACCCCGGTCTCACGGTAGGTGTCACATGGGGCAGAA]CCCTGGAGACCCCGGTCTCACGGTAGGTGTCACATGGGGCAGAACCAGTGTCCTTCTCCT-3'

ClinVar aggregate classification (germline): Uncertain significance (1 of 4 stars; one submission).

Conditions:
Bethlem myopathy 1A. Also called: Bethlem Muscular Dystrophy; MYOPATHY, BENIGN CONGENITAL, WITH CONTRACTURES; Bethlem myopathy 1. Identifiers: Orphanet 610, MedGen CN029274, MONDO:0024530, OMIM 158810.

Submission:

Labcorp Genetics (formerly Invitae), Labcorp
Classification: Uncertain significance for Bethlem myopathy 1A. Last evaluated: 2025-06-24. Review status: criteria provided, single submitter. Criteria: Invitae Variant Classification Sherloc (09022015). Collection method: clinical testing. Allele origin: germline.
Comment: This sequence change falls in intron 23 of the COL6A2 gene. It does not directly change the encoded amino acid sequence of the COL6A2 protein. This variant is not present in population databases (gnomAD no frequency). This variant has not been reported in the literature in individuals affected with COL6A2-related conditions. ClinVar contains an entry for this variant (Variation ID: 1036320). In summary, the available evidence is currently insufficient to determine the role of this variant in disease. Therefore, it has been classified as a Variant of Uncertain Significance.